The following is an entry in ClinVar:

ClinVar aggregate classification (germline): Conflicting classifications of pathogenicity. Review status: criteria provided, conflicting classifications (1 of 4 stars). 4 submissions from 4 submitters: Uncertain significance (1); Likely benign (3). Last evaluated 2025-10-15.

Conditions:
Cardiovascular phenotype. Identifiers: MedGen CN230736.
Danon disease. Also called: Glycogen Storage Disease Type IIb; GSD IIb; LYSOSOMAL GLYCOGEN STORAGE DISEASE WITHOUT ACID MALTASE DEFICIENCY; PSEUDOGLYCOGENOSIS II; ANTOPOL DISEASE. Identifiers: Orphanet 34587, MedGen C0878677, MONDO:0010281, OMIM 300257.

Allele frequency attached by ClinVar (database versions not stated): gnomAD 0.00001; gnomAD exomes 0.00002 and 0.00010; ExAC 0.00006; TOPMed 0.00008.
gnomAD v4.1: 26 of 1,201,801 alleles (0.0022%); highest among the groups gnomAD compares: Admixed American, 0.057%; no homozygotes.

Submissions (4):

Mayo Clinic Laboratories, Mayo Clinic
Classification: Likely benign. Last evaluated: 2025-10-15. Review status: criteria provided, single submitter. Criteria: ACMG Guidelines, 2015. Collection method: clinical testing. Allele origin: germline. Observed: 2 variant alleles.
Comment: BS1, BP4

Labcorp Genetics (formerly Invitae), Labcorp
Classification: Likely benign for Danon disease. Last evaluated: 2025-09-27. Review status: criteria provided, single submitter. Criteria: Invitae Variant Classification Sherloc (09022015). Collection method: clinical testing. Allele origin: germline.

Ambry Genetics
Classification: Likely benign for Cardiovascular phenotype. Last evaluated: 2025-08-14. Review status: criteria provided, single submitter. Criteria: Ambry Variant Classification Scheme 2023. Collection method: clinical testing. Allele origin: germline.

Eurofins Ntd Llc (ga)
Classification: Uncertain significance. Last evaluated: 2017-05-02. Review status: criteria provided, single submitter. Criteria: EGL Classification Definitions 2015. Collection method: clinical testing. Allele origin: germline. Observed: 1 variant allele, 1 heterozygote.

NM_002294.3(LAMP2):c.461A>G (p.Asn154Ser)

Gene: LAMP2 (lysosome associated membrane protein 2; minus strand). Cytogenetic location: Xq24.
Variant type: single nucleotide variant.
Coding change: c.461A>G on transcript NM_002294.3 (MANE Select); coding-DNA position 461, A replaced by G.
Protein change: p.Asn154Ser; replaces asparagine 154 with serine.
Molecular consequence: missense variant.
Genome position (GRCh38, 1-based): chrX:120,449,065, T>C on the plus strand (A>G on the coding strand, the complement: LAMP2 is on the minus strand). VCF-style: chrX-120449065-T-C. GRCh37 (hg19) VCF-style: chrX-119582920-T-C.
Other names: p.Asn154Ser; c.461A>G, p.Asn154Ser (NM_001122606.1, NM_013995.2); short protein forms N154S.
Identifiers: ClinVar variation 501581 (VCV000501581.21), dbSNP rs773525538, ClinGen allele CA10505300.